The following is an entry in ClinVar:

NM_007294.4(BRCA1):c.4675+315A>C

Gene: BRCA1 (BRCA1 DNA repair associated; minus strand). Cytogenetic location: 17q21.31.
Variant type: single nucleotide variant.
Coding change: c.4675+315A>C on transcript NM_007294.4 (MANE Select); 315 bases into the intron after coding-DNA position 4675, A replaced by C.
Molecular consequence: intron variant.
Genome position (GRCh38, 1-based): chr17:43,074,016, T>G on the plus strand (A>C on the coding strand, the complement: BRCA1 is on the minus strand). VCF-style: chr17-43074016-T-G. GRCh37 (hg19) VCF-style: chr17-41226033-T-G.
Other names: IVS 15+315A>C; c.1222+315A>C (NM_001408458.1, NM_001408461.1, NM_001408464.1 and 7 more transcripts); c.3784+315A>C (NM_001407967.1); c.4294+315A>C (NM_001407959.1); c.4408+315A>C (NM_001407931.1, NM_001407932.1, NM_001407928.1 and 4 more transcripts); c.4531+315A>C (NM_001407747.1, NM_001407745.1, NM_001407737.1 and 21 more transcripts); c.4291+315A>C (NM_001407962.1, NM_001407960.1); c.862+315A>C (NM_001408512.1); and 72 more.
Identifiers: ClinVar variation 209372 (VCV000209372.2), dbSNP rs2236763, ClinGen allele CA276344.

ClinVar aggregate classification (germline): Benign (3 of 4 stars; one submission).

Conditions:
Breast-ovarian cancer, familial, susceptibility to, 1 (BROVCA1). Also called: BRCA1 Hereditary Breast and Ovarian Cancer; OVARIAN CANCER, SUSCEPTIBILITY TO. Identifiers: Orphanet 145, MedGen C2676676, MONDO:0011450, OMIM 604370. Disease mechanism: loss of function.

Allele frequency attached by ClinVar (database versions not stated): gnomAD 0.00006 and 0.00027; TOPMed 0.00006; 1000 Genomes Project 30x 0.00125; 1000 Genomes Project 0.00160.
gnomAD v4.1: 42 of 152,218 alleles (0.028%); highest among the groups gnomAD compares: East Asian, 0.79%; no homozygotes.

Submission:

Evidence-based Network for the Interpretation of Germline Mutant Alleles (ENIGMA)
Classification: Benign for Breast-ovarian cancer, familial 1. Last evaluated: 2015-01-12. Review status: reviewed by expert panel. Criteria: ENIGMA BRCA1/2 Classification Criteria (2015). Collection method: curation. Allele origin: germline.
Comment: Class 1 not pathogenic based on frequency >1% in an outbred sampleset. Frequency 0.01399 (Asian), derived from 1000 genomes (2012-04-30).